The following is an entry in ClinVar:

NM_032608.7(MYO18B):c.947G>T (p.Arg316Ile)

Gene: MYO18B (myosin XVIIIB; plus strand). Cytogenetic location: 22q12.1.
Variant type: single nucleotide variant.
Coding change: c.947G>T on transcript NM_032608.7 (MANE Select); coding-DNA position 947, G replaced by T.
Protein change: p.Arg316Ile; replaces arginine 316 with isoleucine.
Molecular consequence: missense variant.
Genome position (GRCh38, 1-based): chr22:25,768,863, G>T. VCF-style: chr22-25768863-G-T. GRCh37 (hg19) VCF-style: chr22-26164830-G-T.
Other names: c.947G>T, p.Arg316Ile (NM_001318245.2); short protein forms R316I.
Identifiers: ClinVar variation 4749751 (VCV004749751.1).

ClinVar aggregate classification (germline): Uncertain significance (1 of 4 stars; one submission).

Submission:

Labcorp Genetics (formerly Invitae), Labcorp
Classification: Uncertain significance. Last evaluated: 2025-11-27. Review status: criteria provided, single submitter. Criteria: Invitae Variant Classification Sherloc (09022015). Collection method: clinical testing. Allele origin: germline.
Comment: This sequence change replaces arginine, which is basic and polar, with isoleucine, which is neutral and non-polar, at codon 316 of the MYO18B protein (p.Arg316Ile). This variant is present in population databases (rs774198466, gnomAD 0.01%). This variant has not been reported in the literature in individuals affected with MYO18B-related conditions. An algorithm developed to predict the effect of missense changes on protein structure and function (PolyPhen-2) suggests that this variant is likely to be disruptive. In summary, the available evidence is currently insufficient to determine the role of this variant in disease. Therefore, it has been classified as a Variant of Uncertain Significance.